The following is an entry in ClinVar:

NC_000012.11:g.(?_88442961)_(88452817_?)del

Genes: CEP290 (centrosomal protein 290; minus strand), RLIG1 (RNA 5'-phosphate and 3'-OH ligase 1; plus strand). Cytogenetic location: 12q21.32.
Variant type: Deletion.
Identifiers: ClinVar variation 1456842 (VCV001456842.7).

ClinVar aggregate classification (germline): Pathogenic (1 of 4 stars; one submission).

Conditions:
Nephronophthisis. Also called: Juvenile Nephronophthisis. Identifiers: Orphanet 655, MedGen C0687120, MONDO:0019005, HP:0000090.
Meckel-Gruber syndrome. Also called: DYSENCEPHALIA SPLANCHNOCYSTICA; GRUBER SYNDROME; Dysencephalia splachnocystica. Identifiers: Orphanet 564, MedGen C0265215, MONDO:0018921.
Joubert syndrome. Also called: CEREBELLOPARENCHYMAL DISORDER IV; JOUBERT-BOLTSHAUSER SYNDROME; Familial aplasia of the vermis. Identifiers: Orphanet 475, MedGen C5979921, MONDO:0018772.

Submission:

Labcorp Genetics (formerly Invitae), Labcorp
Classification: Pathogenic for Joubert syndrome; Meckel-Gruber syndrome; Nephronophthisis. Last evaluated: 2024-01-08. Review status: criteria provided, single submitter. Criteria: Invitae Variant Classification Sherloc (09022015). Collection method: clinical testing. Allele origin: germline.
Comment: This variant is a gross deletion of the genomic region encompassing exon(s) 49-54 of the CEP290 gene, which includes the termination codon. This deletion extends beyond the assayed region for this gene and therefore may encompass additional genes. While this deletion is not anticipated to lead to nonsense mediated decay, it is expected to alter mRNA translation or result in a truncated protein product. This variant has not been reported in the literature in individuals affected with CEP290-related conditions. This variant disrupts a region of the CEP290 protein in which other variant(s) (p.Leu2448Thrfs*8) have been determined to be pathogenic (PMID: 16682973, 16909394, 29588463). This suggests that this is a clinically significant region of the protein, and that variants that disrupt it are likely to be disease-causing. For these reasons, this variant has been classified as Pathogenic.

Literature cited by the submitters: PubMed 16682973; PubMed 16909394; PubMed 29588463.